The following is an entry in ClinVar:

ClinVar aggregate classification (germline): Uncertain significance (1 of 4 stars; one submission).

Allele frequency attached by ClinVar (database versions not stated): gnomAD 0.00001 and 0.00002; gnomAD exomes 0.00002 and 0.00003; ExAC 0.00003; TOPMed 0.00003.

Submission:

Labcorp Genetics (formerly Invitae), Labcorp
Classification: Uncertain significance. Last evaluated: 2022-08-08. Review status: criteria provided, single submitter. Criteria: Invitae Variant Classification Sherloc (09022015). Collection method: clinical testing. Allele origin: germline.
Comment: This sequence change replaces arginine, which is basic and polar, with glutamine, which is neutral and polar, at codon 93 of the CAPN5 protein (p.Arg93Gln). In summary, the available evidence is currently insufficient to determine the role of this variant in disease. Therefore, it has been classified as a Variant of Uncertain Significance. Algorithms developed to predict the effect of sequence changes on RNA splicing suggest that this variant may create or strengthen a splice site. Algorithms developed to predict the effect of missense changes on protein structure and function are either unavailable or do not agree on the potential impact of this missense change (SIFT: "Deleterious"; PolyPhen-2: "Possibly Damaging"; Align-GVGD: "Class C0"). ClinVar contains an entry for this variant (Variation ID: 947768). This variant has not been reported in the literature in individuals affected with CAPN5-related conditions. This variant is present in population databases (rs781896927, gnomAD 0.02%).

NM_004055.5(CAPN5):c.278G>A (p.Arg93Gln)

Gene: CAPN5 (calpain 5; plus strand). Cytogenetic location: 11q13.5.
Variant type: single nucleotide variant.
Coding change: c.278G>A on transcript NM_004055.5 (MANE Select); coding-DNA position 278, G replaced by A.
Protein change: p.Arg93Gln; replaces arginine 93 with glutamine.
Molecular consequence: missense variant.
Genome position (GRCh38, 1-based): chr11:77,093,794, G>A. VCF-style: chr11-77093794-G-A. GRCh37 (hg19) VCF-style: chr11-76804840-G-A.
Other names: short protein forms R93Q.
Identifiers: ClinVar variation 947768 (VCV000947768.9), dbSNP rs781896927, ClinGen allele CA6196219.